The following is an entry in ClinVar:

ClinVar aggregate classification (germline): Uncertain significance (1 of 4 stars; one submission).

Allele frequency attached by ClinVar (database versions not stated): gnomAD exomes below 0.00001.
gnomAD v4.1: 1 of 1,613,900 alleles (0.000062%); highest among the groups gnomAD compares: Non-Finnish European, 0.000085%; no homozygotes.

Submission:

Labcorp Genetics (formerly Invitae), Labcorp
Classification: Uncertain significance. Last evaluated: 2025-08-15. Review status: criteria provided, single submitter. Criteria: Invitae Variant Classification Sherloc (09022015). Collection method: clinical testing. Allele origin: germline.
Comment: This sequence change replaces lysine, which is basic and polar, with glutamine, which is neutral and polar, at codon 362 of the WDR1 protein (p.Lys362Gln). This variant is not present in population databases (gnomAD no frequency). This variant has not been reported in the literature in individuals affected with WDR1-related conditions. ClinVar contains an entry for this variant (Variation ID: 1480145). An algorithm developed to predict the effect of missense changes on protein structure and function (PolyPhen-2) suggests that this variant is likely to be disruptive. In summary, the available evidence is currently insufficient to determine the role of this variant in disease. Therefore, it has been classified as a Variant of Uncertain Significance.

NM_017491.5(WDR1):c.1084A>C (p.Lys362Gln)

Gene: WDR1 (WD repeat domain 1; minus strand). Cytogenetic location: 4p16.1.
Variant type: single nucleotide variant.
Coding change: c.1084A>C on transcript NM_017491.5 (MANE Select); coding-DNA position 1084, A replaced by C.
Protein change: p.Lys362Gln; replaces lysine 362 with glutamine.
Molecular consequence: missense variant.
Genome position (GRCh38, 1-based): chr4:10,083,134, T>G on the plus strand (A>C on the coding strand, the complement: WDR1 is on the minus strand). VCF-style: chr4-10083134-T-G. GRCh37 (hg19) VCF-style: chr4-10084758-T-G.
Other names: c.664A>C, p.Lys222Gln (NM_005112.5); short protein forms K362Q, K222Q.
Identifiers: ClinVar variation 1480145 (VCV001480145.6), dbSNP rs1765079923, ClinGen allele CA356359728.